The following is an entry in ClinVar:

NM_000153.4(GALC):c.236G>A (p.Arg79His)

Gene: GALC (galactosylceramidase; minus strand). Cytogenetic location: 14q31.3.
Variant type: single nucleotide variant.
Coding change: c.236G>A on transcript NM_000153.4 (MANE Select); coding-DNA position 236, G replaced by A.
Protein change: p.Arg79His; replaces arginine 79 with histidine.
Molecular consequence: missense variant. On other transcripts: intron variant (1).
Genome position (GRCh38, 1-based): chr14:87,988,483, C>T on the plus strand (G>A on the coding strand, the complement: GALC is on the minus strand). VCF-style: chr14-87988483-C-T. GRCh37 (hg19) VCF-style: chr14-88454827-C-T.
Other names: c.158G>A, p.Arg53His (NM_001201402.2); c.196-276G>A (NM_001201401.2); c.236G>A (NM_000153.3); short protein forms R79H, R53H.
Identifiers: ClinVar variation 2137618 (VCV002137618.10), dbSNP rs370117160, ClinGen allele CA7297456.

ClinVar aggregate classification (germline): Pathogenic/Likely pathogenic. Review status: criteria provided, multiple submitters, no conflicts (2 of 4 stars). 6 submissions from 6 submitters: Pathogenic (2); Likely pathogenic (4). Last evaluated 2026-01-29.

Conditions:
Inborn genetic diseases. Identifiers: MedGen C0950123, MeSH D030342.
GALC-related disorders.
Galactosylceramide beta-galactosidase deficiency. Also called: GALACTOCEREBROSIDASE DEFICIENCY; GALC DEFICIENCY; GLOBOID CELL LEUKOENCEPHALOPATHY; Krabbe Disease; Leukodystrophy, Globoid Cell. Identifiers: Orphanet 487, MedGen C0023521, MONDO:0009499, OMIM 245200.

Allele frequency attached by ClinVar (database versions not stated): gnomAD 0.00001; TOPMed 0.00001; ExAC 0.00004; ESP Exome Variant Server 0.00009.
gnomAD v4.1: 21 of 1,610,940 alleles (0.0013%); highest among the groups gnomAD compares: South Asian, 0.0055%; no homozygotes.

Submissions (6):

Natera, Inc.
Classification: Likely pathogenic for Galactosylceramide beta-galactosidase deficiency. Last evaluated: 2026-01-29. Review status: criteria provided, single submitter. Criteria: Natera Variant Classification Schema (03/2026). Collection method: clinical testing. Allele origin: germline.
Comment: The c.236G>A variant in GALC is a missense variant predicted to cause substitution of arginine to histidine at amino acid 79. This variant is rare in the general population with a frequency below the threshold expected for the associated phenotype(s). This variant has been observed in one or more individuals affected with the associated recessive disease, as either homozygous or compound heterozygous with a second variant (PMID: 8940268, 20886637, 39184309). Functional studies show that this variant may disrupt protein function (PMID: 8940268, 27126738, 27638593, 40449593). Computational prediction algorithms indicate this variant is likely to affect gene or protein function. Given the available evidence, this variant is classified as Likely Pathogenic.

Labcorp Genetics (formerly Invitae), Labcorp
Classification: Pathogenic for Galactosylceramide beta-galactosidase deficiency. Last evaluated: 2025-01-06. Review status: criteria provided, single submitter. Criteria: Invitae Variant Classification Sherloc (09022015). Collection method: clinical testing. Allele origin: germline.
Comment: This sequence change replaces arginine, which is basic and polar, with histidine, which is basic and polar, at codon 79 of the GALC protein (p.Arg79His). This variant is present in population databases (rs370117160, gnomAD 0.007%). This missense change has been observed in individual(s) with Krabbe disease (PMID: 20886637). This variant is also known as p.Arg63His. ClinVar contains an entry for this variant (Variation ID: 2137618). Invitae Evidence Modeling of protein sequence and biophysical properties (such as structural, functional, and spatial information, amino acid conservation, physicochemical variation, residue mobility, and thermodynamic stability) indicates that this missense variant is expected to disrupt GALC protein function with a positive predictive value of 95%. Experimental studies have shown that this missense change affects GALC function (PMID: 27638593). This variant disrupts the p.Arg79 amino acid residue in GALC. Other variant(s) that disrupt this residue have been determined to be pathogenic (PMID: 27638593; internal data). This suggests that this residue is clinically significant, and that variants that disrupt this residue are likely to be disease-causing. For these reasons, this variant has been classified as Pathogenic.

Fulgent Genetics
Classification: Likely pathogenic for Galactosylceramide beta-galactosidase deficiency. Last evaluated: 2024-05-22. Review status: criteria provided, single submitter. Criteria: ACMG Guidelines, 2015. Collection method: clinical testing. Allele origin: germline.

Revvity Omics, Revvity
Classification: Likely pathogenic. Last evaluated: 2022-08-01. Review status: criteria provided, single submitter. Criteria: ACMG Guidelines, 2015. Collection method: clinical testing. Allele origin: germline.

Ambry Genetics
Classification: Likely pathogenic for Inborn genetic diseases. Last evaluated: 2022-05-05. Review status: criteria provided, single submitter. Criteria: Ambry Variant Classification Scheme 2023. Collection method: clinical testing. Allele origin: germline.
Comment: The c.236G>A (p.R79H) alteration is located in exon 2 (coding exon 2) of the GALC gene. This alteration results from a G to A substitution at nucleotide position 236, causing the arginine (R) at amino acid position 79 to be replaced by a histidine (H). Based on data from gnomAD, the A allele has an overall frequency of <0.01% (5/249202) total alleles studied. The highest observed frequency was 0.01% (2/30592) of South Asian alleles. This alteration has been detected in conjunction with pathogenic GALC mutations in two unrelated patients who met diagnostic criteria for Krabbe disease (Tappino, 2010; De Gasperi, 1996). This alteration leads to reduced GALC activity in patient-derived cells (Tappino, 2016). This amino acid position is highly conserved in available vertebrate species. Based on internal structural analysis, the R79H variant is moderately destabilizing to the local structure (Chen, 1993; Chen, 1993; Deane, 2011). Functional studies show that COS7 and COS1 cells transfected with the R79H alteration have reduced GALC activity (Saavedra-Matiz, 2016; De Gasperi, 1996). HEK293 cells expressing R79H showed GALC expression in cell lysate but not media, suggesting defects in GALC trafficking or glycosylation (Spratley, 2016). This alteration is predicted to be deleterious by in silico analysis. Based on the available evidence, this alteration is classified as likely pathogenic.

Blueprint Genetics
Classification: Pathogenic for GALC-related disorders. Last evaluated: 2021-01-14. Review status: criteria provided, single submitter. Criteria: ACMG Guidelines, 2015. Collection method: clinical testing. Allele origin: germline. Affected: yes. Observed: 3 variant alleles.

Literature cited by the submitters: PubMed 8940268 (cited by Natera, Inc. and Ambry Genetics); PubMed 20886637 (cited by 3 submitters); PubMed 39184309 (cited by Natera, Inc.); PubMed 27126738 (cited by Natera, Inc. and Ambry Genetics); PubMed 27638593 (cited by 3 submitters); PubMed 40449593 (cited by Natera, Inc.); PubMed 8281145 (cited by Ambry Genetics); PubMed 8399327 (cited by Ambry Genetics); PubMed 21876145 (cited by Ambry Genetics).